The following is an entry in ClinVar:

ClinVar aggregate classification (germline): Uncertain significance (1 of 4 stars; one submission).

Submission:

GeneDx
Classification: Uncertain significance. Last evaluated: 2017-02-03. Review status: criteria provided, single submitter. Criteria: GeneDx Variant Classification (06012015). Collection method: clinical testing. Allele origin: germline. Affected: yes.
Comment: The A2258G variant in the CACNA1A gene has not been reported previously as a pathogenic variant, nor as a benign variant, to our knowledge. The A2258G variant was not observed in the Exome Aggregation Consortium (ExAC) data set, indicating it is not a common benign variant. The A2258G variant is a conservative amino acid substitution, which is not likely to impact secondary protein structure as these residues share similar properties. This substitution occurs at a position that is not conserved. In silico analysis is inconsistent in its predictions as to whether or not the variant is damaging to the protein structure/function. We interpret A2258G as a variant of uncertain significance.

NM_001127222.2(CACNA1A):c.6770C>G (p.Ala2257Gly)

Genes: CACNA1A (calcium voltage-gated channel subunit alpha1 A; minus strand), LOC130063717 (ATAC-STARR-seq lymphoblastoid silent region 10203; plus strand). Cytogenetic location: 19p13.13.
Variant type: single nucleotide variant.
Coding change: c.6770C>G on transcript NM_001127222.2 (MANE Select); coding-DNA position 6770, C replaced by G.
Protein change: p.Ala2257Gly; replaces alanine 2257 with glycine.
Molecular consequence: missense variant.
Genome position (GRCh38, 1-based): chr19:13,208,766, G>C on the plus strand (C>G on the coding strand, the complement: CACNA1A is on the minus strand). VCF-style: chr19-13208766-G-C. GRCh37 (hg19) VCF-style: chr19-13319580-G-C.
Other names: c.6788C>G, p.Ala2263Gly (NM_000068.4, NM_023035.3); c.6773C>G, p.Ala2258Gly (NM_001127221.2); c.6779C>G, p.Ala2260Gly (NM_001174080.2); short protein forms A2258G, A2263G, A2257G, A2260G.
Identifiers: ClinVar variation 393198 (VCV000393198.2), dbSNP rs755099305, ClinGen allele CA16608875.